The following is an entry in ClinVar:

ClinVar aggregate classification (germline): Pathogenic (1 of 4 stars; one submission).

Conditions:
Anauxetic dysplasia. Identifiers: Orphanet 93347, MedGen C1846796, MONDO:0011773.

Submission:

Labcorp Genetics (formerly Invitae), Labcorp
Classification: Pathogenic for Anauxetic dysplasia. Last evaluated: 2023-12-13. Review status: criteria provided, single submitter. Criteria: Invitae Variant Classification Sherloc (09022015). Collection method: clinical testing. Allele origin: germline.
Comment: This variant occurs in the RMRP gene, which encodes an RNA molecule that does not result in a protein product. This variant is not present in population databases (gnomAD no frequency). While this particular variant has not been reported in the literature, it is located in the promoter region between the TATA box and the transcription initiation site, and other insertions and duplications immediately upstream of the coding sequence have been reported in individuals affected with cartilage-hair hypoplasia-anauxetic dysplasia (CHH-AD) spectrum disorders (PMID: 16244706, 11207361, 12107819). While functional studies for this variant have not been reported, experimental analyses using patient derived cells, as well as in vitro transfection studies, have shown that promoter insertions result in silencing of RMRP transcription and reduced expression of the gene product (PMID: 11207361, 16254002). For these reasons, this variant has been classified as Pathogenic.

Literature cited by the submitters: PubMed 16244706; PubMed 11207361; PubMed 12107819; PubMed 16254002.

NC_000009.12:g.35658019_35658024dup

Gene: RMRP (RNA component of mitochondrial RNA processing endoribonuclease; minus strand). Cytogenetic location: 9p13.3.
Variant type: Duplication.
Genome position: GRCh38 VCF-style: chr9-35658016-A-ACCACGT. GRCh37 (hg19) VCF-style: chr9-35658013-A-ACCACGT.
Identifiers: ClinVar variation 2420892 (VCV002420892.10), dbSNP rs1554651360, ClinGen allele CA2580080463.